The following is an entry in ClinVar:

ClinVar aggregate classification (germline): Uncertain significance (1 of 4 stars; one submission).

Conditions:
Hereditary cancer-predisposing syndrome. Also called: Hereditary Cancer Syndrome; Neoplastic Syndromes, Hereditary; Tumor predisposition; Hereditary neoplastic syndrome. Identifiers: Orphanet 140162, MedGen C0027672, MeSH D009386, MONDO:0015356.

Submission:

Ambry Genetics
Classification: Uncertain significance for Hereditary cancer-predisposing syndrome. Last evaluated: 2026-07-23. Review status: criteria provided, single submitter. Criteria: Ambry Variant Classification Scheme 2023. Collection method: clinical testing. Allele origin: germline.
Comment: The p.P1231R variant (also known as c.3692C>G), located in coding exon 20 of the DICER1 gene, results from a C to G substitution at nucleotide position 3692. The proline at codon 1231 is replaced by arginine, an amino acid with dissimilar properties. This amino acid position is conserved. In addition, this alteration is predicted to be deleterious by in silico analysis. Based on the available evidence, the clinical significance of this variant remains unclear.

NM_177438.3(DICER1):c.3692C>G (p.Pro1231Arg)

Gene: DICER1 (dicer 1, ribonuclease III; minus strand). Cytogenetic location: 14q32.13.
Variant type: single nucleotide variant.
Coding change: c.3692C>G on transcript NM_177438.3 (MANE Select); coding-DNA position 3692, C replaced by G.
Protein change: p.Pro1231Arg; replaces proline 1231 with arginine.
Molecular consequence: missense variant. On other transcripts: non-coding transcript variant (6).
Genome position (GRCh38, 1-based): chr14:95,103,704, G>C on the plus strand (C>G on the coding strand, the complement: DICER1 is on the minus strand). VCF-style: chr14-95103704-G-C. GRCh37 (hg19) VCF-style: chr14-95570041-G-C.
Other names: c.3692C>G, p.Pro1231Arg (NM_001395693.1, NM_001395694.1, NM_001395695.1 and 12 more transcripts); c.3287C>G, p.Pro1096Arg (NM_001395696.1, NM_001395687.1, NM_001395688.1 and 2 more transcripts); c.2009C>G, p.Pro670Arg (NM_001395697.1); c.3410C>G, p.Pro1137Arg (NM_001395686.1); c.3125C>G, p.Pro1042Arg (NM_001395691.1); short protein forms P1137R, P1096R, P1231R, P1042R, P670R.
Identifiers: ClinVar variation 5035228 (VCV005035228.1).